The following is an entry in ClinVar:

ClinVar aggregate classification (germline): Uncertain significance (1 of 4 stars; one submission).

gnomAD v4.1: 1 of 1,614,198 alleles (0.000062%); highest among the groups gnomAD compares: African/African-American, 0.0013%; no homozygotes.

Submission:

GeneDx
Classification: Uncertain significance. Last evaluated: 2017-07-05. Review status: criteria provided, single submitter. Criteria: GeneDx Variant Classification Process June 2021. Collection method: clinical testing. Allele origin: germline. Affected: yes.
Comment: Not observed in large population cohorts (Lek 2016); In silico analysis supports that this missense variant has a deleterious effect on protein structure/function; Has not been previously published as pathogenic or benign to our knowledge

NM_006231.4(POLE):c.1158G>C (p.Glu386Asp)

Gene: POLE (DNA polymerase epsilon, catalytic subunit; minus strand). Cytogenetic location: 12q24.33.
Variant type: single nucleotide variant.
Coding change: c.1158G>C on transcript NM_006231.4 (MANE Select); coding-DNA position 1158, G replaced by C.
Protein change: p.Glu386Asp; replaces glutamic acid 386 with aspartic acid.
Molecular consequence: missense variant.
Genome position (GRCh38, 1-based): chr12:132,675,466, C>G on the plus strand (G>C on the coding strand, the complement: POLE is on the minus strand). VCF-style: chr12-132675466-C-G. GRCh37 (hg19) VCF-style: chr12-133252052-C-G.
Other names: short protein forms E386D.
Identifiers: ClinVar variation 1303525 (VCV001303525.2), dbSNP rs2136009028, ClinGen allele CA387360971.